The following is an entry in ClinVar:

NM_000053.4(ATP7B):c.1340_1343del (p.Gln447fs)

Gene: ATP7B (ATPase copper transporting beta; minus strand). Cytogenetic location: 13q14.3.
Variant type: Deletion.
Coding change: c.1340_1343del on transcript NM_000053.4 (MANE Select); coding-DNA positions 1340 to 1343, 4 bases deleted (AAAC; older notation c.1340_1343delAAAC).
Protein change: p.Gln447fs; shifts the reading frame from glutamine 447.
Molecular consequence: frameshift variant.
Genome position (GRCh38, 1-based): chr13:51,970,692-51,970,695, GTTT deleted on the plus strand (AAAC on the coding strand, the reverse complement: ATP7B is on the minus strand); deleting any 4 consecutive bases within chr13:51,970,692-51,970,696 gives the same sequence; the c. name uses the placement nearest the transcript's 3' end. VCF-style (leftmost placement, unchanged base first): chr13-51970691-AGTTT-A. GRCh37 (hg19) VCF-style: chr13-52544827-AGTTT-A.
Other names: c.1340_1343del, p.Gln447fs (NM_001005918.3, NM_001330578.2, NM_001330579.2); c.1007_1010del, p.Gln336fs (NM_001243182.2); short protein forms Q336fs, Q447fs.
Identifiers: ClinVar variation 371656 (VCV000371656.11), dbSNP rs1057517444, ClinGen allele CA16041679.

ClinVar aggregate classification (germline): Pathogenic. Review status: criteria provided, multiple submitters, no conflicts (2 of 4 stars). 5 submissions from 5 submitters: Pathogenic (4). 1 of the submissions does not count toward it. Last evaluated 2025-09-09.

Conditions:
Wilson disease (WND). Also called: Wilson's disease. Identifiers: Orphanet 905, MedGen C0019202, MONDO:0010200, OMIM 277900. Disease mechanism: loss of function.

Submissions (5):

Color Diagnostics, LLC DBA Color Health
Classification: Pathogenic for Wilson disease. Last evaluated: 2025-09-09. Review status: criteria provided, single submitter. Criteria: ACMG Guidelines, 2015. Collection method: clinical testing. Allele origin: germline.
Comment: This variant deletes 4 nucleotides in exon 3 of the ATP7B gene, creating a frameshift and premature translation stop signal. This variant is expected to result in an absent or non-functional protein product. Functional studies suggests this variant disrupts intracellular localization of ATP7B (PMID: 12557139). This variant has been reported in individuals affected with Wilson disease (PMID: 9311736, 12557139, 15967699, 20958917). This variant has not been identified in the general population by the Genome Aggregation Database (gnomAD). Loss of ATP7B function is a known mechanism of disease. Based on the available evidence, this variant is classified as Pathogenic.

Labcorp Genetics (formerly Invitae), Labcorp
Classification: Pathogenic for Wilson disease. Last evaluated: 2024-07-23. Review status: criteria provided, single submitter. Criteria: Invitae Variant Classification Sherloc (09022015). Collection method: clinical testing. Allele origin: germline.
Comment: This sequence change creates a premature translational stop signal (p.Gln447Leufs*50) in the ATP7B gene. It is expected to result in an absent or disrupted protein product. Loss-of-function variants in ATP7B are known to be pathogenic (PMID: 10441329, 16283883). This variant is not present in population databases (gnomAD no frequency). This premature translational stop signal has been observed in individual(s) with Wilson disease (PMID: 9311736). ClinVar contains an entry for this variant (Variation ID: 371656). For these reasons, this variant has been classified as Pathogenic.

All of Us Research Program, National Institutes of Health
Classification: Pathogenic for Wilson disease. Last evaluated: 2023-12-18. Review status: criteria provided, single submitter. Criteria: ACMG Guidelines, 2015. Collection method: clinical testing. Allele origin: germline. Inheritance: Autosomal recessive inheritance. Observed: 3 variant alleles, 2 heterozygotes, 1 compound heterozygote.
Comment: This variant deletes 4 nucleotides in exon 3 of the ATP7B gene, creating a frameshift and premature translation stop signal. This variant is expected to result in an absent or non-functional protein product. Functional studies suggests this variant disrupts intracellular localization of ATP7B (PMID: 12557139). This variant has been reported in individuals affected with Wilson disease (PMID: 9311736, 12557139, 15967699, 20958917). This variant has not been identified in the general population by the Genome Aggregation Database (gnomAD). Loss of ATP7B function is a known mechanism of disease. Based on the available evidence, this variant is classified as Pathogenic.

This study involves interpretation of variants in research participants for the purpose of population health screening. Participant phenotype was not available at the time of variant classification. Additional details can be found in publication PMID: 35346344, PMCID: PMC8962531

Baylor Genetics
Classification: Pathogenic for Wilson disease. Last evaluated: 2023-05-31. Review status: criteria provided, single submitter. Criteria: ACMG Guidelines, 2015. Collection method: clinical testing. Allele origin: unknown.

Counsyl
Classification: Likely pathogenic for Wilson disease. Last evaluated: 2016-11-14. Review status: no assertion criteria provided. Collection method: clinical testing. Allele origin: unknown. Not counted in ClinVar's aggregate classification.

Literature cited by the submitters: PubMed 9311736 (cited by 3 submitters); PubMed 12557139 (cited by 3 submitters); PubMed 15967699 (cited by 3 submitters); PubMed 20958917 (cited by Color Diagnostics, LLC DBA Color Health and All of Us Research Program, National Institutes of Health); PubMed 10441329 (cited by Labcorp Genetics (formerly Invitae), Labcorp); PubMed 16283883 (cited by Labcorp Genetics (formerly Invitae), Labcorp); PubMed 11690702 (cited by Counsyl).